The following is an entry in ClinVar:

NM_001848.3(COL6A1):c.2919C>T (p.Val973=)

Gene: COL6A1 (collagen type VI alpha 1 chain; plus strand). Cytogenetic location: 21q22.3.
Variant type: single nucleotide variant.
Coding change: c.2919C>T on transcript NM_001848.3 (MANE Select); coding-DNA position 2919, C replaced by T.
Protein change: p.Val973=; no amino-acid change (valine 973 retained).
Molecular consequence: synonymous variant.
Genome position (GRCh38, 1-based): chr21:46,003,845, C>T. VCF-style: chr21-46003845-C-T. GRCh37 (hg19) VCF-style: chr21-47423759-C-T.
Identifiers: ClinVar variation 772514 (VCV000772514.15), dbSNP rs764490258, ClinGen allele CA10071074.

ClinVar aggregate classification (germline): Likely benign. Review status: criteria provided, multiple submitters, no conflicts (2 of 4 stars). 4 submissions from 4 submitters: Likely benign (4). Last evaluated 2026-09-01.

Conditions:
COL6A1-related disorder. Also called: COL6A1-related condition.
Bethlem myopathy 1A. Also called: Bethlem Muscular Dystrophy; MYOPATHY, BENIGN CONGENITAL, WITH CONTRACTURES; Bethlem myopathy 1. Identifiers: Orphanet 610, MedGen CN029274, MONDO:0024530, OMIM 158810.

Allele frequency attached by ClinVar (database versions not stated): gnomAD exomes 0.00002 and 0.00004; ExAC 0.00005; gnomAD 0.00005 and 0.00006; TOPMed 0.00005.

Submissions (4):

PreventionGenetics, part of Exact Sciences
Classification: Likely benign for COL6A1-related condition. Last evaluated: 2026-09-01. Review status: criteria provided, single submitter. Criteria: ACMG Guidelines, 2015. Collection method: clinical testing. Allele origin: germline.
Comment: This variant is classified as likely benign based on ACMG/AMP sequence variant interpretation guidelines (Richards et al. 2015 PMID: 25741868, with internal and published modifications).

Labcorp Genetics (formerly Invitae), Labcorp
Classification: Likely benign for Bethlem myopathy 1A. Last evaluated: 2025-09-10. Review status: criteria provided, single submitter. Criteria: Invitae Variant Classification Sherloc (09022015). Collection method: clinical testing. Allele origin: germline.

Blueprint Genetics
Classification: Likely benign. Last evaluated: 2024-09-14. Review status: criteria provided, single submitter. Criteria: ACMG Guidelines, 2015. Collection method: clinical testing. Allele origin: germline.

Revvity Omics, Revvity
Classification: Likely benign. Last evaluated: 2023-10-20. Review status: criteria provided, single submitter. Criteria: ACMG Guidelines, 2015. Collection method: clinical testing. Allele origin: germline.